The following is an entry in ClinVar:

NM_014727.3(KMT2B):c.6050A>G (p.His2017Arg)

Gene: KMT2B (lysine methyltransferase 2B; plus strand). Cytogenetic location: 19q13.12.
Variant type: single nucleotide variant.
Coding change: c.6050A>G on transcript NM_014727.3 (MANE Select); coding-DNA position 6050, A replaced by G.
Protein change: p.His2017Arg; replaces histidine 2017 with arginine.
Molecular consequence: missense variant.
Genome position (GRCh38, 1-based): chr19:35,732,599, A>G. VCF-style: chr19-35732599-A-G. GRCh37 (hg19) VCF-style: chr19-36223500-A-G.
Other names: short protein forms H2017R.
Identifiers: ClinVar variation 4976070 (VCV004976070.1).
Genomic context (GRCh38, chr19:35,732,599, plus strand): 5'-TGCTGGGGACTGAGCCCTTCCAGGAAGAGATTGTAGCCGCTGGGGCCATGGGGAGCAGCC[A>G]CGGGGGCCCGGGGGACAGCTCCGAGGAGGAGTCCAGCCCCACCTCCCGCTACATCCACTT-3'
Protein context (NP_055542.1, residues 2007-2027): IVAAGAMGSS[His2017Arg]GGPGDSSEEE

ClinVar aggregate classification (germline): Uncertain significance (1 of 4 stars; one submission).

Submission:

GeneDx
Classification: Uncertain significance. Last evaluated: 2026-02-02. Review status: criteria provided, single submitter. Criteria: GeneDx Variant Classification Process June 2021. Collection method: clinical testing. Allele origin: germline.
Comment: Not observed at significant frequency in large population cohorts (gnomAD); In silico analysis suggests that this missense variant does not alter protein structure/function; Has not been previously published as pathogenic or benign to our knowledge